The following is an entry in ClinVar:

NM_000089.4(COL1A2):c.4028A>G (p.Asp1343Gly)

Gene: COL1A2 (collagen type I alpha 2 chain; plus strand). Cytogenetic location: 7q21.3.
Variant type: single nucleotide variant.
Coding change: c.4028A>G on transcript NM_000089.4 (MANE Select); coding-DNA position 4028, A replaced by G.
Protein change: p.Asp1343Gly; replaces aspartic acid 1343 with glycine.
Molecular consequence: missense variant.
Genome position (GRCh38, 1-based): chr7:94,430,320, A>G. VCF-style: chr7-94430320-A-G. GRCh37 (hg19) VCF-style: chr7-94059632-A-G.
Other names: short protein forms D1343G.
Identifiers: ClinVar variation 1941198 (VCV001941198.5), dbSNP rs1395182811, ClinGen allele CA368227290.

ClinVar aggregate classification (germline): Uncertain significance (1 of 4 stars; one submission).

Conditions:
Ehlers-Danlos syndrome, classic type, 1 (EDSCL1). Also called: Ehlers-Danlos syndrome, type 1; Ehlers-Danlos Syndrome, Classic Type, COL5A1-Related; EDS I; EHLERS-DANLOS SYNDROME, GRAVIS TYPE; EHLERS-DANLOS SYNDROME, SEVERE CLASSIC TYPE. Identifiers: MedGen C0268335, MONDO:0019567, OMIM 130000.
Osteogenesis imperfecta type I (OI1). Also called: Osteogenesis imperfecta type 1; Lobstein's Disease; Lobstein disease; OI, TYPE I; OSTEOGENESIS IMPERFECTA TARDA; OSTEOGENESIS IMPERFECTA WITH BLUE SCLERAE. Identifiers: Orphanet 216796, Orphanet 666, MedGen C0023931, MONDO:0008146, OMIM 166200. Disease mechanism: loss of function.

Allele frequency attached by ClinVar (database versions not stated): gnomAD exomes below 0.00001.
gnomAD v4.1: 2 of 1,614,120 alleles (0.00012%); highest among the groups gnomAD compares: South Asian, 0.0011%; no homozygotes.

Submission:

Labcorp Genetics (formerly Invitae), Labcorp
Classification: Uncertain significance for Osteogenesis imperfecta type I; Ehlers-Danlos syndrome, classic type, 1. Last evaluated: 2022-06-07. Review status: criteria provided, single submitter. Criteria: Invitae Variant Classification Sherloc (09022015). Collection method: clinical testing. Allele origin: germline.
Comment: This variant has not been reported in the literature in individuals affected with COL1A2-related conditions. This sequence change replaces aspartic acid, which is acidic and polar, with glycine, which is neutral and non-polar, at codon 1343 of the COL1A2 protein (p.Asp1343Gly). This variant is present in population databases (no rsID available, gnomAD 0.007%). Algorithms developed to predict the effect of missense changes on protein structure and function are either unavailable or do not agree on the potential impact of this missense change (SIFT: "Deleterious"; PolyPhen-2: "Not Available"; Align-GVGD: "Class C0"). In summary, the available evidence is currently insufficient to determine the role of this variant in disease. Therefore, it has been classified as a Variant of Uncertain Significance.